The following is an entry in ClinVar:

ClinVar aggregate classification (germline): Uncertain significance (1 of 4 stars; one submission).

Conditions:
Neuropathy, hereditary sensory and autonomic, type 2A (HSAN2A). Also called: ACROOSTEOLYSIS, GIACCAI TYPE; ACROOSTEOLYSIS, NEUROGENIC; MORVAN DISEASE; NEUROPATHY, CONGENITAL SENSORY; NEUROPATHY, HEREDITARY SENSORY RADICULAR, AUTOSOMAL RECESSIVE; NEUROPATHY, HEREDITARY SENSORY, TYPE IIA. Identifiers: Orphanet 970, MedGen C2752089, MONDO:0024309, OMIM 201300.
Pseudohypoaldosteronism type 2C (PHA2C). Also called: Pseudohypoaldosteronism Type IIC. Identifiers: Orphanet 757, Orphanet 88940, MedGen C1840391, MONDO:0013778, OMIM 614492.

Submission:

Labcorp Genetics (formerly Invitae), Labcorp
Classification: Uncertain significance for Neuropathy, hereditary sensory and autonomic, type 2A; Pseudohypoaldosteronism type 2C. Last evaluated: 2023-12-11. Review status: criteria provided, single submitter. Criteria: Invitae Variant Classification Sherloc (09022015). Collection method: clinical testing. Allele origin: germline.
Comment: This sequence change replaces threonine, which is neutral and polar, with serine, which is neutral and polar, at codon 2569 of the WNK1 protein (p.Thr2569Ser). This variant is not present in population databases (gnomAD no frequency). This variant has not been reported in the literature in individuals affected with WNK1-related conditions. ClinVar contains an entry for this variant (Variation ID: 1421625). Advanced modeling of protein sequence and biophysical properties (such as structural, functional, and spatial information, amino acid conservation, physicochemical variation, residue mobility, and thermodynamic stability) performed at Invitae indicates that this missense variant is not expected to disrupt WNK1 protein function with a negative predictive value of 95%. In summary, the available evidence is currently insufficient to determine the role of this variant in disease. Therefore, it has been classified as a Variant of Uncertain Significance.

NM_018979.4(WNK1):c.6950C>G (p.Thr2317Ser)

Gene: WNK1 (WNK lysine deficient protein kinase 1; plus strand). Cytogenetic location: 12p13.33.
Variant type: single nucleotide variant.
Coding change: c.6950C>G on transcript NM_018979.4 (MANE Select); coding-DNA position 6950, C replaced by G.
Protein change: p.Thr2317Ser; replaces threonine 2317 with serine.
Molecular consequence: missense variant.
Genome position (GRCh38, 1-based): chr12:908,593, C>G. VCF-style: chr12-908593-C-G. GRCh37 (hg19) VCF-style: chr12-1017759-C-G.
Other names: c.7730C>G, p.Thr2577Ser (NM_001184985.2); c.6206C>G, p.Thr2069Ser (NM_014823.3); c.7706C>G, p.Thr2569Ser (NM_213655.5); short protein forms T2569S, T2577S, T2069S, T2317S.
Identifiers: ClinVar variation 1421625 (VCV001421625.8), dbSNP rs2154104516, ClinGen allele CA383340990.